The following is an entry in ClinVar:

NC_000022.10:g.(?_33777885)_(34157463_?)del

Gene: LARGE1 (LARGE xylosyl- and glucuronyltransferase 1; minus strand). Cytogenetic location: 22q12.3.
Variant type: Deletion.
Identifiers: ClinVar variation 3247635 (VCV003247635.1).

ClinVar aggregate classification (germline): Pathogenic (1 of 4 stars; one submission).

Conditions:
Muscular dystrophy-dystroglycanopathy type B6 (MDDGB6). Also called: MUSCULAR DYSTROPHY-DYSTROGLYCANOPATHY (CONGENITAL WITH IMPAIRED INTELLECTUAL DEVELOPMENT), TYPE B, 6; MUSCULAR DYSTROPHY, CONGENITAL, LARGE-RELATED; MUSCULAR DYSTROPHY, CONGENITAL, TYPE 1D. Identifiers: MedGen C1837229, MONDO:0012138, OMIM 608840.

Submission:

Labcorp Genetics (formerly Invitae), Labcorp
Classification: Pathogenic for Muscular dystrophy-dystroglycanopathy type B6. Last evaluated: 2023-03-08. Review status: criteria provided, single submitter. Criteria: Invitae Variant Classification Sherloc (09022015). Collection method: clinical testing. Allele origin: unknown.
Comment: For these reasons, this variant has been classified as Pathogenic. This variant has not been reported in the literature in individuals affected with LARGE1-related conditions. This variant is a gross deletion of the genomic region encompassing exon(s) 3-10 of the LARGE1 gene, which includes the initiator codon. This deletion extends beyond the assayed region for this gene and therefore may encompass additional genes. It is expected to result in an absent or disrupted protein product. Loss-of-function variants in LARGE1 are known to be pathogenic (PMID: 12966029, 17878207).

Literature cited by the submitters: PubMed 12966029; PubMed 17878207.